The following is an entry in ClinVar:

ClinVar aggregate classification (germline): Pathogenic (1 of 4 stars; one submission).

Conditions:
Methylmalonic aciduria and homocystinuria type cblD (MAHCD). Also called: METHYLMALONIC ACIDEMIA, cblH TYPE; Methylmalonic aciduria with homocystinuria cblD type. Identifiers: Orphanet 622, Orphanet 79283, MedGen C1848552, MONDO:0010185, OMIM 277410.

Submission:

Centre for Inherited Metabolic Diseases, Karolinska University Hospital
Classification: Pathogenic for Methylmalonic aciduria and homocystinuria type cblD. Last evaluated: 2024-07-23. Review status: criteria provided, single submitter. Criteria: ACMG Guidelines, 2015. Collection method: clinical testing. Allele origin: inherited. Inheritance: Autosomal recessive inheritance. Affected: yes. Observed: 1 homozygote.
Comment: Sanger sequencing of cDNA from mRNA isolated from blood has shown that the variant has an effect on splicing.

NM_015702.3(MMADHC):c.9+5G>A

Genes: MMADHC (metabolism of cobalamin associated D; minus strand), LOC126806368 (MED14-independent group 3 enhancer GRCh37_chr2:150443500-150444699; plus strand). Cytogenetic location: 2q23.2.
Variant type: single nucleotide variant.
Coding change: c.9+5G>A on transcript NM_015702.3 (MANE Select); 5 bases into the intron after coding-DNA position 9, G replaced by A.
Molecular consequence: intron variant.
Genome position (GRCh38, 1-based): chr2:149,587,084, C>T on the plus strand (G>A on the coding strand, the complement: MMADHC is on the minus strand). VCF-style: chr2-149587084-C-T. GRCh37 (hg19) VCF-style: chr2-150443598-C-T.
Identifiers: ClinVar variation 3256599 (VCV003256599.1).